The following is an entry in ClinVar:

NM_032638.5(GATA2):c.76C>G (p.His26Asp)

Gene: GATA2 (GATA binding protein 2; minus strand). Cytogenetic location: 3q21.3.
Variant type: single nucleotide variant.
Coding change: c.76C>G on transcript NM_032638.5 (MANE Select); coding-DNA position 76, C replaced by G.
Protein change: p.His26Asp; replaces histidine 26 with aspartic acid.
Molecular consequence: missense variant.
Genome position (GRCh38, 1-based): chr3:128,486,956, G>C on the plus strand (C>G on the coding strand, the complement: GATA2 is on the minus strand). VCF-style: chr3-128486956-G-C. GRCh37 (hg19) VCF-style: chr3-128205799-G-C.
Other names: c.76C>G, p.His26Asp (NM_001145661.2, NM_001145662.1); short protein forms H26D.
Identifiers: ClinVar variation 4620632 (VCV004620632.1).
Genomic context (GRCh38, chr3:128,486,956, plus strand): 5'-CCACCTCGTCTGGAGGCAGCAGCTGCGCGGGTTCCATGTAGTTGTGCGCCAGGCCCGGGT[G>C]GTGTGAGTCGGGGTGCTGCGCATTCAGCACGGCCGGGTGCGCCATCCAGCGCGGCTGCTC-3'
Protein context (NP_116027.2, residues 16-36): VLNAQHPDSH[His26Asp]PGLAHNYMEP

ClinVar aggregate classification (germline): Uncertain significance (1 of 4 stars; one submission).

Conditions:
Inborn genetic diseases. Identifiers: MedGen C0950123, MeSH D030342.

Submission:

Ambry Genetics
Classification: Uncertain significance for Inborn genetic diseases. Last evaluated: 2025-11-01. Review status: criteria provided, single submitter. Criteria: Ambry Variant Classification Scheme 2023. Collection method: clinical testing. Allele origin: germline.
Comment: The p.H26D variant (also known as c.76C>G), located in coding exon 1 of the GATA2 gene, results from a C to G substitution at nucleotide position 76. The histidine at codon 26 is replaced by aspartic acid, an amino acid with similar properties. This amino acid position is conserved. In addition, this alteration is predicted to be deleterious by in silico analysis. Based on the available evidence, the clinical significance of this variant remains unclear.